The following is an entry in ClinVar:

NM_000557.5(GDF5):c.29T>C (p.Leu10Ser)

Gene: GDF5 (growth differentiation factor 5; minus strand). Cytogenetic location: 20q11.22.
Variant type: single nucleotide variant.
Coding change: c.29T>C on transcript NM_000557.5 (MANE Select); coding-DNA position 29, T replaced by C.
Protein change: p.Leu10Ser; replaces leucine 10 with serine.
Molecular consequence: missense variant.
Genome position (GRCh38, 1-based): chr20:35,437,900, A>G on the plus strand (T>C on the coding strand, the complement: GDF5 is on the minus strand). VCF-style: chr20-35437900-A-G. GRCh37 (hg19) VCF-style: chr20-34025680-A-G.
Other names: c.29T>C, p.Leu10Ser (NM_001319138.2); c.29T>C (NM_000557.4); short protein forms L10S.
Identifiers: ClinVar variation 1040342 (VCV001040342.9), dbSNP rs147847468, ClinGen allele CA9832441.

ClinVar aggregate classification (germline): Uncertain significance. Review status: criteria provided, single submitter (1 of 4 stars). 2 submissions from 2 submitters: Uncertain significance (1). 1 of the submissions does not count toward it. Last evaluated 2025-10-11.

Conditions:
GDF5-related disorder. Also called: GDF5 (CDMP1)-related disorder; GDF5-related condition. Identifiers: MedGen CN169990.

Allele frequency attached by ClinVar (database versions not stated): gnomAD exomes 0.00010 and 0.00005; gnomAD 0.00076 and 0.00068; 1000 Genomes Project 30x 0.00016; TOPMed 0.00079; ExAC 0.00011; 1000 Genomes Project 0.00020; ESP Exome Variant Server 0.00062.
gnomAD v4.1: 189 of 1,614,138 alleles (0.012%); highest among the groups gnomAD compares: African/African-American, 0.22%; no homozygotes.

Submissions (2):

Labcorp Genetics (formerly Invitae), Labcorp
Classification: Uncertain significance. Last evaluated: 2025-10-11. Review status: criteria provided, single submitter. Criteria: Invitae Variant Classification Sherloc (09022015). Collection method: clinical testing. Allele origin: germline.
Comment: This sequence change replaces leucine, which is neutral and non-polar, with serine, which is neutral and polar, at codon 10 of the GDF5 protein (p.Leu10Ser). This variant is present in population databases (rs147847468, gnomAD 0.2%). This variant has not been reported in the literature in individuals affected with GDF5-related conditions. ClinVar contains an entry for this variant (Variation ID: 1040342). Experimental studies and prediction algorithms are not available or were not evaluated, and the functional significance of this variant is currently unknown. In summary, the available evidence is currently insufficient to determine the role of this variant in disease. Therefore, it has been classified as a Variant of Uncertain Significance.

PreventionGenetics, part of Exact Sciences
Classification: Uncertain significance for GDF5-related condition. Last evaluated: 2024-07-29. Review status: no assertion criteria provided. Collection method: clinical testing. Allele origin: germline. Not counted in ClinVar's aggregate classification.
Comment: The GDF5 c.29T>C variant is predicted to result in the amino acid substitution p.Leu10Ser. To our knowledge, this variant has not been reported in the literature. This variant is reported in 0.15% of alleles in individuals of African descent in gnomAD. Although we suspect that this variant may be benign, at this time, the clinical significance of this variant is uncertain due to the absence of conclusive functional and genetic evidence.